The following is an entry in ClinVar:

ClinVar aggregate classification (germline): Uncertain significance (1 of 4 stars; one submission).

gnomAD v4.1: 1 of 1,547,944 alleles (0.000065%); highest among the groups gnomAD compares: Non-Finnish European, 0.000087%; no homozygotes.

Submission:

Ambry Genetics
Classification: Uncertain significance. Last evaluated: 2025-10-09. Review status: criteria provided, single submitter. Criteria: Ambry Variant Classification Scheme 2023. Collection method: clinical testing. Allele origin: germline.
Comment: The p.V812I variant (also known as c.2434G>A), located in coding exon 6 of the CDK12 gene, results from a G to A substitution at nucleotide position 2434. The valine at codon 812 is replaced by isoleucine, an amino acid with highly similar properties. This amino acid position is conserved. In addition, the in silico prediction for this alteration is inconclusive. Based on the available evidence, the clinical significance of this variant remains unclear.

NM_016507.4(CDK12):c.2434G>A (p.Val812Ile)

Gene: CDK12 (cyclin dependent kinase 12; plus strand). Cytogenetic location: 17q12.
Variant type: single nucleotide variant.
Coding change: c.2434G>A on transcript NM_016507.4 (MANE Select); coding-DNA position 2434, G replaced by A.
Protein change: p.Val812Ile; replaces valine 812 with isoleucine.
Molecular consequence: missense variant.
Genome position (GRCh38, 1-based): chr17:39,501,264, G>A. VCF-style: chr17-39501264-G-A. GRCh37 (hg19) VCF-style: chr17-37657517-G-A.
Other names: c.2434G>A, p.Val812Ile (NM_015083.4); short protein forms V812I.
Identifiers: ClinVar variation 4651365 (VCV004651365.1).